The following is an entry in ClinVar:

NM_024989.4(PGAP1):c.1351-2A>G

Gene: PGAP1 (post-GPI attachment to proteins inositol deacylase 1; minus strand). Cytogenetic location: 2q33.1.
Variant type: single nucleotide variant.
Coding change: c.1351-2A>G on transcript NM_024989.4 (MANE Select); the canonical splice acceptor site of the intron before coding-DNA position 1351, A replaced by G.
Molecular consequence: splice acceptor variant.
Genome position (GRCh38, 1-based): chr2:196,875,823, T>C on the plus strand (A>G on the coding strand, the complement: PGAP1 is on the minus strand). VCF-style: chr2-196875823-T-C. GRCh37 (hg19) VCF-style: chr2-197740547-T-C.
Other names: c.184-2A>G (NM_001321100.2); c.829-2A>G (NM_001321099.2).
Identifiers: ClinVar variation 2703351 (VCV002703351.3), dbSNP rs2468626300, ClinGen allele CA350172562.

ClinVar aggregate classification (germline): Likely pathogenic (1 of 4 stars; one submission).

Conditions:
Intellectual disability, autosomal recessive 42 (NEDDSBA). Also called: Neurodevelopmental disorder with dysmorphic features, spasticity, and brain abnormalities; GLYCOSYLPHOSPHATIDYLINOSITOL BIOSYNTHESIS DEFECT 9. Identifiers: Orphanet 88616, MedGen C4014343, MONDO:0014348, OMIM 615802.

Submission:

Labcorp Genetics (formerly Invitae), Labcorp
Classification: Likely pathogenic for Intellectual disability, autosomal recessive 42. Last evaluated: 2023-12-15. Review status: criteria provided, single submitter. Criteria: Invitae Variant Classification Sherloc (09022015). Collection method: clinical testing. Allele origin: germline.
Comment: This sequence change affects an acceptor splice site in intron 13 of the PGAP1 gene. It is expected to disrupt RNA splicing. Variants that disrupt the donor or acceptor splice site typically lead to a loss of protein function (PMID: 16199547), and loss-of-function variants in PGAP1 are known to be pathogenic (PMID: 17711852, 26050939, 27848944). This variant is not present in population databases (gnomAD no frequency). This variant has not been reported in the literature in individuals affected with PGAP1-related conditions. Algorithms developed to predict the effect of sequence changes on RNA splicing suggest that this variant may disrupt the consensus splice site. In summary, the currently available evidence indicates that the variant is pathogenic, but additional data are needed to prove that conclusively. Therefore, this variant has been classified as Likely Pathogenic.

Literature cited by the submitters: PubMed 16199547; PubMed 17711852; PubMed 26050939; PubMed 27848944.